The following is an entry in ClinVar:

ClinVar aggregate classification (germline): Uncertain significance (1 of 4 stars; one submission).

Conditions:
Ehlers-Danlos syndrome, type 4 (EDSVASC). Also called: Ehlers-Danlos Syndrome Type IV; Ehlers-Danlos syndrome vascular type; Ehlers Danlos syndrome, ecchymotic type; Ehlers Danlos syndrome, arterial type; Ehlers Danlos syndrome, Sack-Barabas type. Identifiers: Orphanet 286, MedGen C0268338, MONDO:0017314, OMIM 130050.

Submission:

All of Us Research Program, National Institutes of Health
Classification: Uncertain significance for Ehlers-Danlos syndrome, type 4. Last evaluated: 2023-05-04. Review status: criteria provided, single submitter. Criteria: ACMG Guidelines, 2015. Collection method: clinical testing. Allele origin: germline. Inheritance: Autosomal dominant inheritance. Observed: 1 variant allele, 1 heterozygote.
Comment: This variant causes a single nucleotide substitution in the 5' untranslated region of the COL3A1 gene. To our knowledge, functional studies have not been reported for this variant. This variant has not been reported in individuals affected with COL3A1-related disorders in the literature. This variant has not been identified in the general population by the Genome Aggregation Database (gnomAD). The available evidence is insufficient to determine the role of this variant in disease conclusively. Therefore, this variant is classified as a Variant of Uncertain Significance.

This study involves interpretation of variants in research participants for the purpose of population health screening. Participant phenotype was not available at the time of variant classification. Additional details can be found in publication PMID: 35346344, PMCID: PMC8962531

NM_000090.4(COL3A1):c.-9T>C

Gene: COL3A1 (collagen type III alpha 1 chain; plus strand). Cytogenetic location: 2q32.2.
Variant type: single nucleotide variant.
Coding change: c.-9T>C on transcript NM_000090.4 (MANE Select); 9 bases upstream of the start codon, T replaced by C.
Molecular consequence: 5 prime UTR variant.
Genome position (GRCh38, 1-based): chr2:188,974,481, T>C. VCF-style: chr2-188974481-T-C. GRCh37 (hg19) VCF-style: chr2-189839207-T-C.
Identifiers: ClinVar variation 3070889 (VCV003070889.1), dbSNP rs2469084864, ClinGen allele CA2577184969.